The following is an entry in ClinVar:

ClinVar aggregate classification (germline): Uncertain significance (1 of 4 stars; one submission).

Conditions:
Brachyolmia-amelogenesis imperfecta syndrome. Also called: PLATYSPONDYLY WITH AMELOGENESIS IMPERFECTA; Tooth agenesis, selective, 6; Dental anomalies and short stature. Identifiers: Orphanet 2899, MedGen C1832594, MONDO:0011018, OMIM 601216. Disease mechanism: loss of function.

gnomAD v4.1: 2 of 1,614,046 alleles (0.00012%); highest among the groups gnomAD compares: East Asian, 0.0022%; no homozygotes.

Submission:

Labcorp Genetics (formerly Invitae), Labcorp
Classification: Uncertain significance for Brachyolmia-amelogenesis imperfecta syndrome. Last evaluated: 2025-02-15. Review status: criteria provided, single submitter. Criteria: Invitae Variant Classification Sherloc (09022015). Collection method: clinical testing. Allele origin: germline.
Comment: This sequence change replaces glutamic acid, which is acidic and polar, with lysine, which is basic and polar, at codon 504 of the LTBP3 protein (p.Glu504Lys). This variant is present in population databases (no rsID available, gnomAD 0.006%). This missense change has been observed in individual(s) with type B aortic dissection (PMID: 34906192). An algorithm developed to predict the effect of missense changes on protein structure and function (PolyPhen-2) suggests that this variant is likely to be tolerated. In summary, the available evidence is currently insufficient to determine the role of this variant in disease. Therefore, it has been classified as a Variant of Uncertain Significance.

Literature cited by the submitters: PubMed 34906192.

NM_001130144.3(LTBP3):c.1510G>A (p.Glu504Lys)

Gene: LTBP3 (latent transforming growth factor beta binding protein 3; minus strand). Cytogenetic location: 11q13.1.
Variant type: single nucleotide variant.
Coding change: c.1510G>A on transcript NM_001130144.3 (MANE Select); coding-DNA position 1510, G replaced by A.
Protein change: p.Glu504Lys; replaces glutamic acid 504 with lysine.
Molecular consequence: missense variant.
Genome position (GRCh38, 1-based): chr11:65,551,993, C>T on the plus strand (G>A on the coding strand, the complement: LTBP3 is on the minus strand). VCF-style: chr11-65551993-C-T. GRCh37 (hg19) VCF-style: chr11-65319464-C-T.
Other names: c.1159G>A, p.Glu387Lys (NM_001164266.1); c.1510G>A, p.Glu504Lys (NM_021070.4); short protein forms E387K, E504K.
Identifiers: ClinVar variation 4710765 (VCV004710765.1).
Genomic context (GRCh38, chr11:65,551,993, plus strand): 5'-CTTGGCATGGGTCAGGGATCAGAAGGGGTCAGGCTAGACCTCTCTCTTCCTCTGTGTCCT[C>T]AGGTGGTGGAGCCTGGCTAGGGCTCTCCGGAAGCTGCTGGGGCTTGGGTGGCCCGTCAGG-3'
Protein context (NP_001123616.1, residues 494-514): PESPSQAPPP[Glu504Lys]DTEEERGVTT